The following is an entry in ClinVar:

NC_000019.10:g.12938153C>A

Genes: CALR (calreticulin; plus strand), LOC130063678 (ATAC-STARR-seq lymphoblastoid active region 14096; plus strand). Cytogenetic location: 19p13.13.
Variant type: single nucleotide variant.
Genome position: GRCh38 VCF-style: chr19-12938153-C-A. GRCh37 (hg19) VCF-style: chr19-13048967-C-A.
Other names: CALR c.-527C>A.
Identifiers: ClinVar variation 5036699 (VCV005036699.1).
Genomic context (GRCh38, chr19:12,938,153, plus strand): 5'-ATCCCAGGCAGGGGTGGGGGAGCAGCAGTGGGGTGCTGGTTCTCAAATGCAAGATAAGAG[C>A]TGGCTAAGAAAGCCTTGCCCAGCCCCTCCACCTAGAGGGAATGGGAGGGAGAGAAGCTGA-3'

ClinVar aggregate classification (germline): Uncertain significance (1 of 4 stars; one submission).

Conditions:
Myeloproliferative neoplasm. Identifiers: Orphanet 98274, MedGen C1292778, MONDO:0020076.

Submission:

Dept of Medical Biology, Uskudar University
Classification: Uncertain significance for Myeloproliferative neoplasm. Last evaluated: 2026-09-16. Review status: criteria provided, single submitter. Criteria: Dept of Medical Biology Variant Classification. Collection method: research. Allele origin: unknown. Affected: yes. Observed: 1 variant allele.
Comment: Variant in the CALR promoter: c.-527C>A relative to the A of the NM_004343.4 translation start codon, upstream of the annotated transcription start (c.-71) and therefore described by genomic coordinates, NC_000019.10:g.12938153C>A. PM2_supporting: absent from gnomAD v4.1, dbSNP and ClinVar. No functional or segregation data are available. Classified as uncertain significance under the ACMG/AMP 2015 guidelines (PMID:25741868). Detected in a retrospective series of 256 BCR::ABL1-negative and JAK2 V617F-negative patients referred for molecular investigation of a suspected myeloproliferative neoplasm (May 2007 to January 2015) and re-interpreted under the ACMG/AMP 2015 criteria.